The following is an entry in ClinVar:

ClinVar aggregate classification (germline): Uncertain significance (1 of 4 stars; one submission).

gnomAD v4.1: 4 of 1,614,080 alleles (0.00025%); highest among the groups gnomAD compares: Non-Finnish European, 0.00034%; no homozygotes.

Submission:

Dasa
Classification: Uncertain significance. Last evaluated: 2025-03-27. Review status: criteria provided, single submitter. Criteria: DASA Assertion Criteria. Collection method: clinical testing. Allele origin: germline.
Comment: NM_015058.2(VWA8):c.3514G>A (p.Ala1172Thr) is a missense variant that results in the substitution of alanine with threonine. This variant is rare in population databases. Computational prediction algorithms are consistent with a benign effect. The currently available literature and clinical evidence are not sufficient to establish a definitive association between this variant and the reported condition. Therefore, this variant is classified as a variant of uncertain significance.

NM_015058.2(VWA8):c.3514G>A (p.Ala1172Thr)

Gene: VWA8 (von Willebrand factor A domain containing 8; minus strand). Cytogenetic location: 13q14.11.
Variant type: single nucleotide variant.
Coding change: c.3514G>A on transcript NM_015058.2 (MANE Select); coding-DNA position 3514, G replaced by A.
Protein change: p.Ala1172Thr; replaces alanine 1172 with threonine.
Molecular consequence: missense variant.
Genome position (GRCh38, 1-based): chr13:41,699,121, C>T on the plus strand (G>A on the coding strand, the complement: VWA8 is on the minus strand). VCF-style: chr13-41699121-C-T. GRCh37 (hg19) VCF-style: chr13-42273257-C-T.
Other names: short protein forms A1172T.
Identifiers: ClinVar variation 4882903 (VCV004882903.2).
Genomic context (GRCh38, chr13:41,699,121, plus strand): 5'-TGTGCATTACCTGCTGCTCATGGAGAACCACTTGACCTTTGAGAGGACTTCCCAGCGGTG[C>T]CACTGTCACAAAAGGGTGCCAAACGCCATTGGCTGTTCTTGGGAAGATATCAAAAAAGTC-3'
Protein context (NP_055873.1, residues 1162-1182): NGVWHPFVTV[Ala1172Thr]PLGSPLKGQV